The following is an entry in ClinVar:

ClinVar aggregate classification (germline): Conflicting classifications of pathogenicity. Review status: criteria provided, conflicting classifications (1 of 4 stars). 3 submissions from 3 submitters: Likely pathogenic (2); Uncertain significance (1). Last evaluated 2025-05-09.

Conditions:
Charcot-Marie-Tooth disease axonal type 2O. Also called: Charcot-Marie-Tooth Neuropathy Type 2O; CHARCOT-MARIE-TOOTH NEUROPATHY, AXONAL, TYPE 2O; CHARCOT-MARIE-TOOTH DISEASE, AXONAL, AUTOSOMAL DOMINANT, TYPE 2O; Charcot-Marie-Tooth disease, axonal, type 20. Identifiers: Orphanet 284232, MedGen C3280220, MONDO:0013644, OMIM 614228.
Autosomal dominant childhood-onset proximal spinal muscular atrophy without contractures. Also called: Spinal muscular atrophy, lower extremity-predominant 1, AD; SPINAL MUSCULAR ATROPHY, CHILDHOOD, PROXIMAL, AUTOSOMAL DOMINANT; KUGELBERG-WELANDER SYNDROME, AUTOSOMAL DOMINANT; SPINAL MUSCULAR ATROPHY, JUVENILE, PROXIMAL, AUTOSOMAL DOMINANT. Identifiers: Orphanet 209341, Orphanet 363447, MedGen C5780022, MONDO:0008026, OMIM 158600.

Submissions (3):

GeneDx
Classification: Likely pathogenic. Last evaluated: 2025-05-09. Review status: criteria provided, single submitter. Criteria: GeneDx Variant Classification Process June 2021. Collection method: clinical testing. Allele origin: germline. Affected: yes.
Comment: Not observed at significant frequency in large population cohorts (gnomAD); In silico analysis supports that this missense variant has a deleterious effect on protein structure/function; Has not been previously published as pathogenic or benign to our knowledge; This variant is associated with the following publications: (PMID: 25512093, 25609763, 26100331)

Labcorp Genetics (formerly Invitae), Labcorp
Classification: Uncertain significance for Charcot-Marie-Tooth disease axonal type 2O. Last evaluated: 2022-09-27. Review status: criteria provided, single submitter. Criteria: Invitae Variant Classification Sherloc (09022015). Collection method: clinical testing. Allele origin: germline.
Comment: In summary, the available evidence is currently insufficient to determine the role of this variant in disease. Therefore, it has been classified as a Variant of Uncertain Significance. Advanced modeling of protein sequence and biophysical properties (such as structural, functional, and spatial information, amino acid conservation, physicochemical variation, residue mobility, and thermodynamic stability) performed at Invitae indicates that this missense variant is expected to disrupt DYNC1H1 protein function. ClinVar contains an entry for this variant (Variation ID: 1395098). This variant has not been reported in the literature in individuals affected with DYNC1H1-related conditions. This variant is not present in population databases (gnomAD no frequency). This sequence change replaces arginine, which is basic and polar, with histidine, which is basic and polar, at codon 2797 of the DYNC1H1 protein (p.Arg2797His).

Mendelics
Classification: Likely pathogenic for Autosomal dominant childhood-onset proximal spinal muscular atrophy without contractures. Last evaluated: 2022-05-04. Review status: criteria provided, single submitter. Criteria: Mendelics Assertion Criteria 2019. Collection method: clinical testing. Allele origin: germline.

NM_001376.5(DYNC1H1):c.8390G>A (p.Arg2797His)

Gene: DYNC1H1 (dynein cytoplasmic 1 heavy chain 1; plus strand). Cytogenetic location: 14q32.31.
Variant type: single nucleotide variant.
Coding change: c.8390G>A on transcript NM_001376.5 (MANE Select); coding-DNA position 8390, G replaced by A.
Protein change: p.Arg2797His; replaces arginine 2797 with histidine.
Molecular consequence: missense variant.
Genome position (GRCh38, 1-based): chr14:102,019,939, G>A. VCF-style: chr14-102019939-G-A. GRCh37 (hg19) VCF-style: chr14-102486276-G-A.
Other names: c.8390G>A (NM_001376.4); short protein forms R2797H.
Identifiers: ClinVar variation 1395098 (VCV001395098.8), dbSNP rs2152584603, ClinGen allele CA391006534.